The following is an entry in ClinVar:

NM_004722.4(AP4M1):c.255-16C>T

Gene: AP4M1 (adaptor related protein complex 4 subunit mu 1; plus strand). Cytogenetic location: 7q22.1.
Variant type: single nucleotide variant.
Coding change: c.255-16C>T on transcript NM_004722.4 (MANE Select); 16 bases into the intron before coding-DNA position 255, C replaced by T.
Molecular consequence: intron variant.
Genome position (GRCh38, 1-based): chr7:100,102,848, C>T. VCF-style: chr7-100102848-C-T. GRCh37 (hg19) VCF-style: chr7-99700471-C-T.
Other names: c.276-16C>T (NM_001363671.2).
Identifiers: ClinVar variation 383659 (VCV000383659.12), dbSNP rs74961284, ClinGen allele CA4374541.

ClinVar aggregate classification (germline): Benign. Review status: criteria provided, multiple submitters, no conflicts (2 of 4 stars). 3 submissions from 3 submitters: Benign (3). Last evaluated 2026-01-28.

Conditions:
Hereditary spastic paraplegia 50 (SPG50). Also called: Spastic paraplegia 50, autosomal recessive. Identifiers: Orphanet 280763, MedGen C2752008, MONDO:0013048, OMIM 612936.

Allele frequency attached by ClinVar (database versions not stated): gnomAD exomes 0.00431; ExAC 0.00514; ESP Exome Variant Server 0.01768; gnomAD 0.01816 and 0.01949; 1000 Genomes Project 0.02057; TOPMed 0.02085; 1000 Genomes Project 30x 0.02233.

Submissions (3):

Labcorp Genetics (formerly Invitae), Labcorp
Classification: Benign for Hereditary spastic paraplegia 50. Last evaluated: 2026-01-28. Review status: criteria provided, single submitter. Criteria: Invitae Variant Classification Sherloc (09022015). Collection method: clinical testing. Allele origin: germline.

GeneDx
Classification: Benign. Last evaluated: 2016-09-26. Review status: criteria provided, single submitter. Criteria: GeneDx Variant Classification (06012015). Collection method: clinical testing. Allele origin: germline. Affected: yes.
Comment: This variant is considered likely benign or benign based on one or more of the following criteria: it is a conservative change, it occurs at a poorly conserved position in the protein, it is predicted to be benign by multiple in silico algorithms, and/or has population frequency not consistent with disease.

Breakthrough Genomics
Classification: Benign. Review status: criteria provided, single submitter. Criteria: ACMG Guidelines, 2015. Collection method: not provided. Allele origin: germline. Inheritance: Autosomal recessive inheritance. Affected: yes.